The following is an entry in ClinVar:

NM_000497.4(CYP11B1):c.703G>A (p.Val235Ile)

Genes: CYP11B1 (cytochrome P450 family 11 subfamily B member 1; minus strand), LOC106799833 (CYP11B1 recombination region; plus strand). Cytogenetic location: 8q24.3.
Variant type: single nucleotide variant.
Coding change: c.703G>A on transcript NM_000497.4 (MANE Select); coding-DNA position 703, G replaced by A.
Protein change: p.Val235Ile; replaces valine 235 with isoleucine.
Molecular consequence: missense variant.
Genome position (GRCh38, 1-based): chr8:142,876,778, C>T on the plus strand (G>A on the coding strand, the complement: CYP11B1 is on the minus strand). VCF-style: chr8-142876778-C-T. GRCh37 (hg19) VCF-style: chr8-143958194-C-T.
Other names: c.703G>A, p.Val235Ile (NM_001026213.1); c.703G>A (NM_000497.3); short protein forms V235I.
Identifiers: ClinVar variation 2049750 (VCV002049750.6), dbSNP rs577746344, ClinGen allele CA4905337.

ClinVar aggregate classification (germline): Uncertain significance. Review status: criteria provided, multiple submitters, no conflicts (2 of 4 stars). 4 submissions from 4 submitters: Uncertain significance (4). Last evaluated 2026-04-22.

Conditions:
Inborn genetic diseases. Identifiers: MedGen C0950123, MeSH D030342.
Differences in sex development.
Deficiency of steroid 11-beta-monooxygenase (CYP11B1). Also called: ADRENAL HYPERPLASIA IV; ADRENAL HYPERPLASIA, CONGENITAL, DUE TO STEROID 11-BETA-HYDROXYLASE DEFICIENCY; 11-BETA-HYDROXYLASE DEFICIENCY; P450C11B1 DEFICIENCY; STEROID 11-BETA-HYDROXYLASE DEFICIENCY; Congenital adrenal hyperplasia due to 11-beta-hydroxylase deficiency. Identifiers: Orphanet 90795, MedGen C0268292, MONDO:0008729, OMIM 202010. Disease mechanism: loss of function.
Glucocorticoid-remediable aldosteronism. Also called: Hyperaldosteronism, familial, type I; ACTH-DEPENDENT HYPERALDOSTERONISM SYNDROME; ALDOSTERONISM, SENSITIVE TO DEXAMETHASONE; FH I; GLUCOCORTICOID-SUPPRESSIBLE HYPERALDOSTERONISM. Identifiers: Orphanet 403, MedGen C3838731, MONDO:0007080, OMIM 103900.

Allele frequency attached by ClinVar (database versions not stated): ExAC 0.00003; gnomAD 0.00001; gnomAD exomes 0.00001; 1000 Genomes Project 30x 0.00016; 1000 Genomes Project 0.00020.
gnomAD v4.1: 22 of 1,614,060 alleles (0.0014%); highest among the groups gnomAD compares: Admixed American, 0.01%; no homozygotes.

Submissions (4):

NHS Central & South Genomic Laboratory Hub
Classification: Uncertain significance for Differences in sex development. Last evaluated: 2026-04-22. Review status: criteria provided, single submitter. Criteria: ACMG Guidelines, 2015. Collection method: clinical testing. Allele origin: germline. Affected: yes.

Labcorp Genetics (formerly Invitae), Labcorp
Classification: Uncertain significance. Last evaluated: 2025-09-02. Review status: criteria provided, single submitter. Criteria: Invitae Variant Classification Sherloc (09022015). Collection method: clinical testing. Allele origin: germline.
Comment: This sequence change replaces valine, which is neutral and non-polar, with isoleucine, which is neutral and non-polar, at codon 235 of the CYP11B1 protein (p.Val235Ile). This variant is present in population databases (rs577746344, gnomAD 0.01%). This variant has not been reported in the literature in individuals affected with CYP11B1-related conditions. ClinVar contains an entry for this variant (Variation ID: 2049750). Invitae Evidence Modeling of protein sequence and biophysical properties (such as structural, functional, and spatial information, amino acid conservation, physicochemical variation, residue mobility, and thermodynamic stability) indicates that this missense variant is not expected to disrupt CYP11B1 protein function with a negative predictive value of 95%. In summary, the available evidence is currently insufficient to determine the role of this variant in disease. Therefore, it has been classified as a Variant of Uncertain Significance.

Ambry Genetics
Classification: Uncertain significance for Inborn genetic diseases. Last evaluated: 2025-02-08. Review status: criteria provided, single submitter. Criteria: Ambry Variant Classification Scheme 2023. Collection method: clinical testing. Allele origin: germline.

Fulgent Genetics
Classification: Uncertain significance for Glucocorticoid-remediable aldosteronism; Deficiency of steroid 11-beta-monooxygenase. Last evaluated: 2024-01-23. Review status: criteria provided, single submitter. Criteria: ACMG Guidelines, 2015. Collection method: clinical testing. Allele origin: germline.